The following is an entry in ClinVar:

ClinVar aggregate classification (germline): Benign/Likely benign. Review status: criteria provided, multiple submitters, no conflicts (2 of 4 stars). 3 submissions from 2 submitters: Benign (2); Likely benign (1). Last evaluated 2020-02-01.

Conditions:
Mucolipidosis type II. Also called: Mucolipidosis II Alpha/Beta; ML II ALPHA/BETA; Mucolipidosis 2; ML 2; Inclusion cell disease; Leroy Disease. Identifiers: Orphanet 576, MedGen C2673377, MONDO:0009650, OMIM 252500.
Pseudo-Hurler polydystrophy. Also called: MUCOLIPIDOSIS IIIA; ML IIIA; Mucolipidosis III Alpha/Beta; ML III; ML III ALPHA/BETA; Type III Mucolipidosis. Identifiers: Orphanet 423461, Orphanet 577, MedGen C0033788, MONDO:0018931, OMIM 252600.

Allele frequency attached by ClinVar (database versions not stated): TOPMed 0.01324; gnomAD 0.01133 and 0.01208; 1000 Genomes Project 0.01278; 1000 Genomes Project 30x 0.01296; gnomAD exomes 0.00137.
gnomAD v4.1: 2,508 of 681,408 alleles (0.37%); highest among the groups gnomAD compares: African/African-American, 3.9%; 57 homozygotes.

Submissions (3):

GeneDx
Classification: Likely benign. Last evaluated: 2020-02-01. Review status: criteria provided, single submitter. Criteria: GeneDx Variant Classification Process June 2021. Collection method: clinical testing. Allele origin: germline. Affected: yes.

Illumina Laboratory Services, Illumina
Classification: Benign for Pseudo-Hurler polydystrophy. Last evaluated: 2018-01-12. Review status: criteria provided, single submitter. Criteria: ICSL Variant Classification Criteria 13 December 2019. Collection method: clinical testing. Allele origin: germline.
Comment: This variant was observed in the ICSL laboratory as part of a predisposition screen in an ostensibly healthy population. It had not been previously curated by ICSL or reported in the Human Gene Mutation Database (HGMD: prior to June 1st, 2018), and was therefore a candidate for classification through an automated scoring system. Utilizing variant allele frequency, disease prevalence and penetrance estimates, and inheritance mode, an automated score was calculated to assess if this variant is too frequent to cause the disease. Based on the score and internal cut-off values, a variant classified as benign is not then subjected to further curation. The score for this variant resulted in a classification of benign for this disease.

Illumina Laboratory Services, Illumina
Classification: Benign for Mucolipidosis type II. Last evaluated: 2018-01-12. Review status: criteria provided, single submitter. Criteria: ICSL Variant Classification Criteria 13 December 2019. Collection method: clinical testing. Allele origin: germline.
Comment: the same text as in the submission from Illumina Laboratory Services, Illumina above.

NM_024312.5(GNPTAB):c.*143G>A

Gene: GNPTAB (N-acetylglucosamine-1-phosphate transferase subunits alpha and beta; minus strand). Cytogenetic location: 12q23.2.
Variant type: single nucleotide variant.
Coding change: c.*143G>A on transcript NM_024312.5 (MANE Select); 143 bases downstream of the stop codon, G replaced by A.
Molecular consequence: 3 prime UTR variant.
Genome position (GRCh38, 1-based): chr12:101,747,021, C>T on the plus strand (G>A on the coding strand, the complement: GNPTAB is on the minus strand). VCF-style: chr12-101747021-C-T. GRCh37 (hg19) VCF-style: chr12-102140799-C-T.
Identifiers: ClinVar variation 306789 (VCV000306789.8), dbSNP rs76267316, ClinGen allele CA10631880.